The following is an entry in ClinVar:

ClinVar aggregate classification (germline): Uncertain significance (1 of 4 stars; one submission).

Allele frequency attached by ClinVar (database versions not stated): gnomAD exomes below 0.00001.

Submission:

Labcorp Genetics (formerly Invitae), Labcorp
Classification: Uncertain significance. Last evaluated: 2022-12-13. Review status: criteria provided, single submitter. Criteria: Invitae Variant Classification Sherloc (09022015). Collection method: clinical testing. Allele origin: germline.
Comment: In summary, the available evidence is currently insufficient to determine the role of this variant in disease. Therefore, it has been classified as a Variant of Uncertain Significance. Algorithms developed to predict the effect of missense changes on protein structure and function (SIFT, PolyPhen-2, Align-GVGD) all suggest that this variant is likely to be disruptive. This variant has not been reported in the literature in individuals affected with PLEKHG2-related conditions. This variant is present in population databases (no rsID available, gnomAD 0.003%). This sequence change replaces proline, which is neutral and non-polar, with arginine, which is basic and polar, at codon 904 of the PLEKHG2 protein (p.Pro904Arg).

NM_022835.3(PLEKHG2):c.2711C>G (p.Pro904Arg)

Gene: PLEKHG2 (pleckstrin homology and RhoGEF domain containing G2; plus strand). Cytogenetic location: 19q13.2.
Variant type: single nucleotide variant.
Coding change: c.2711C>G on transcript NM_022835.3 (MANE Select); coding-DNA position 2711, C replaced by G.
Protein change: p.Pro904Arg; replaces proline 904 with arginine.
Molecular consequence: missense variant. On other transcripts: intron variant (1).
Genome position (GRCh38, 1-based): chr19:39,423,844, C>G. VCF-style: chr19-39423844-C-G. GRCh37 (hg19) VCF-style: chr19-39914484-C-G.
Other names: c.2534C>G, p.Pro845Arg (NM_001351693.2); c.1678-1394C>G (NM_001351694.2); short protein forms P845R, P904R.
Identifiers: ClinVar variation 2059934 (VCV002059934.4), dbSNP rs1447601403, ClinGen allele CA405801107.